The following is an entry in ClinVar:

NM_000274.4(OAT):c.141del (p.Glu47fs)

Gene: OAT (ornithine aminotransferase; minus strand). Cytogenetic location: 10q26.13.
Variant type: Deletion.
Coding change: c.141del on transcript NM_000274.4 (MANE Select); coding-DNA position 141, one base deleted (A; older notation c.141delA).
Protein change: p.Glu47fs; shifts the reading frame from glutamic acid 47.
Molecular consequence: frameshift variant. On other transcripts: intron variant (2).
Genome position (GRCh38, 1-based): chr10:124,412,031, T deleted on the plus strand (A on the coding strand, the reverse complement: OAT is on the minus strand); the first of 2 consecutive T bases (chr10:124,412,031-124,412,032); deleting either gives the same sequence. VCF-style (leftmost placement, unchanged base first): chr10-124412030-AT-A. GRCh37 (hg19) VCF-style: chr10-126100599-AT-A.
Other names: c.140delA, p.Glu47Aspfs (NM_000274.3); c.141del, p.Glu47fs (NM_001322965.2, NM_001322966.2, NM_001322967.2 and 4 more transcripts); c.-215-3066del (NM_001171814.2); c.-515-3066del (NM_001322974.2); short protein forms E47fs.
Identifiers: ClinVar variation 4818077 (VCV004818077.1).

ClinVar aggregate classification (germline): Likely pathogenic (1 of 4 stars; one submission).

Conditions:
Ornithine aminotransferase deficiency (GACR). Also called: HYPERORNITHINEMIA WITH GYRATE ATROPHY OF CHOROID AND RETINA; OAT DEFICIENCY; OKT DEFICIENCY; Ornithine ketoacid aminotransferase deficiency; Gyrate atrophy; Gyrate atrophy of choroid and retina. Identifiers: Orphanet 414, MedGen C0018425, MONDO:0009796, OMIM 258870.

Submission:

Natera, Inc.
Classification: Likely pathogenic for Gyrate atrophy. Last evaluated: 2024-09-26. Review status: criteria provided, single submitter. Criteria: Natera Variant Classification Schema (03/2026). Collection method: clinical testing. Allele origin: germline.
Comment: The c.141del variant in OAT is a frameshift variant predicted to shift the reading frame beginning at codon 47 and leads to a stop codon 14 codons downstream. This variant is expected to result in nonsense mediated decay, truncation, or a dysfunctional protein product. This variant is rare in the general population with a frequency below the threshold expected for the associated phenotype(s). Given the available evidence, this variant is classified as Likely Pathogenic.